The following is an entry in ClinVar:

NM_001567.4(INPPL1):c.2401C>T (p.Arg801Cys)

Gene: INPPL1 (inositol polyphosphate phosphatase like 1; plus strand). Cytogenetic location: 11q13.4.
Variant type: single nucleotide variant.
Coding change: c.2401C>T on transcript NM_001567.4 (MANE Select); coding-DNA position 2401, C replaced by T.
Protein change: p.Arg801Cys; replaces arginine 801 with cysteine.
Molecular consequence: missense variant.
Genome position (GRCh38, 1-based): chr11:72,234,601, C>T. VCF-style: chr11-72234601-C-T. GRCh37 (hg19) VCF-style: chr11-71945645-C-T.
Other names: short protein forms R801C.
Identifiers: ClinVar variation 1921201 (VCV001921201.5), dbSNP rs144781166, ClinGen allele CA6170341.

ClinVar aggregate classification (germline): Uncertain significance (1 of 4 stars; one submission).

Allele frequency attached by ClinVar (database versions not stated): ExAC 0.00002; gnomAD 0.00003; gnomAD exomes 0.00003; TOPMed 0.00004; ESP Exome Variant Server 0.00008.
gnomAD v4.1: 48 of 1,612,864 alleles (0.003%); highest among the groups gnomAD compares: Admixed American, 0.005%; no homozygotes.

Submission:

Labcorp Genetics (formerly Invitae), Labcorp
Classification: Uncertain significance. Last evaluated: 2022-06-02. Review status: criteria provided, single submitter. Criteria: Invitae Variant Classification Sherloc (09022015). Collection method: clinical testing. Allele origin: germline.
Comment: This variant has not been reported in the literature in individuals affected with INPPL1-related conditions. Algorithms developed to predict the effect of missense changes on protein structure and function are either unavailable or do not agree on the potential impact of this missense change (SIFT: "Deleterious"; PolyPhen-2: "Possibly Damaging"; Align-GVGD: "Class C0"). In summary, the available evidence is currently insufficient to determine the role of this variant in disease. Therefore, it has been classified as a Variant of Uncertain Significance. This variant is present in population databases (rs144781166, gnomAD 0.005%). This sequence change replaces arginine, which is basic and polar, with cysteine, which is neutral and slightly polar, at codon 801 of the INPPL1 protein (p.Arg801Cys).